The following is an entry in ClinVar:

ClinVar aggregate classification (germline): Uncertain significance (1 of 4 stars; one submission).

Conditions:
Joubert syndrome. Also called: CEREBELLOPARENCHYMAL DISORDER IV; JOUBERT-BOLTSHAUSER SYNDROME; Familial aplasia of the vermis. Identifiers: Orphanet 475, MedGen C5979921, MONDO:0018772.
Meckel-Gruber syndrome. Also called: DYSENCEPHALIA SPLANCHNOCYSTICA; GRUBER SYNDROME; Dysencephalia splachnocystica. Identifiers: Orphanet 564, MedGen C0265215, MONDO:0018921.

Allele frequency attached by ClinVar (database versions not stated): TOPMed below 0.00001.
gnomAD v4.1: 1 of 1,614,162 alleles (0.000062%); highest among the groups gnomAD compares: South Asian, 0.0011%; no homozygotes.

Submission:

Labcorp Genetics (formerly Invitae), Labcorp
Classification: Uncertain significance for Joubert syndrome; Meckel-Gruber syndrome. Last evaluated: 2022-05-19. Review status: criteria provided, single submitter. Criteria: Invitae Variant Classification Sherloc (09022015). Collection method: clinical testing. Allele origin: germline.
Comment: This sequence change replaces leucine, which is neutral and non-polar, with proline, which is neutral and non-polar, at codon 493 of the MKS1 protein (p.Leu493Pro). This variant is not present in population databases (gnomAD no frequency). This variant has not been reported in the literature in individuals affected with MKS1-related conditions. Advanced modeling of protein sequence and biophysical properties (such as structural, functional, and spatial information, amino acid conservation, physicochemical variation, residue mobility, and thermodynamic stability) performed at Invitae indicates that this missense variant is expected to disrupt MKS1 protein function. In summary, the available evidence is currently insufficient to determine the role of this variant in disease. Therefore, it has been classified as a Variant of Uncertain Significance.

NM_017777.4(MKS1):c.1478T>C (p.Leu493Pro)

Gene: MKS1 (MKS transition zone complex subunit 1; minus strand). Cytogenetic location: 17q22.
Variant type: single nucleotide variant.
Coding change: c.1478T>C on transcript NM_017777.4 (MANE Select); coding-DNA position 1478, T replaced by C.
Protein change: p.Leu493Pro; replaces leucine 493 with proline.
Molecular consequence: missense variant. On other transcripts: intron variant (2).
Genome position (GRCh38, 1-based): chr17:58,206,477, A>G on the plus strand (T>C on the coding strand, the complement: MKS1 is on the minus strand). VCF-style: chr17-58206477-A-G. GRCh37 (hg19) VCF-style: chr17-56283838-A-G.
Other names: c.869T>C, p.Leu290Pro (NM_001321268.2); c.1274-97T>C (NM_001330397.2); c.1408-97T>C (NM_001321269.2); short protein forms L290P, L493P.
Identifiers: ClinVar variation 1976383 (VCV001976383.2), dbSNP rs1218016890, ClinGen allele CA400324647.